The following is an entry in ClinVar:

NM_001267550.2(TTN):c.99695A>G (p.His33232Arg)

Genes: TTN (titin; minus strand), TTN-AS1 (TTN antisense RNA 1; plus strand), LOC126806420 (BRD4-independent group 4 enhancer GRCh37_chr2:179401104-179402303; plus strand). Cytogenetic location: 2q31.2.
Variant type: single nucleotide variant.
Coding change: c.99695A>G on transcript NM_001267550.2 (MANE Select); coding-DNA position 99695, A replaced by G.
Protein change: p.His33232Arg; replaces histidine 33232 with arginine.
Molecular consequence: missense variant. On other transcripts: non-coding transcript variant (1).
Genome position (GRCh38, 1-based): chr2:178,537,512, T>C on the plus strand (A>G on the coding strand, the complement: TTN is on the minus strand). VCF-style: chr2-178537512-T-C. GRCh37 (hg19) VCF-style: chr2-179402239-T-C.
Other names: c.94772A>G, p.His31591Arg (NM_001256850.1); c.72500A>G, p.His24167Arg (NM_003319.4); c.91991A>G, p.His30664Arg (NM_133378.4); c.72875A>G, p.His24292Arg (NM_133432.3); c.73076A>G, p.His24359Arg (NM_133437.4); short protein forms H24167R, H30664R, H31591R, H24292R, H24359R, H33232R.
Identifiers: ClinVar variation 4985322 (VCV004985322.1).

ClinVar aggregate classification (germline): Uncertain significance (1 of 4 stars; one submission).

Conditions:
TTN-related disorder. Also called: TTN-related disorders; TTN-related condition; TTN-related disease.

gnomAD v4.1: 7 of 1,613,644 alleles (0.00043%); highest among the groups gnomAD compares: Admixed American, 0.01%; no homozygotes.

Submission:

PreventionGenetics, part of Exact Sciences
Classification: Uncertain significance for TTN-related condition. Last evaluated: 2026-04-21. Review status: criteria provided, single submitter. Criteria: ACMG Guidelines, 2015. Collection method: clinical testing. Allele origin: germline.
Comment: The TTN c.99695A>G variant is predicted to result in the amino acid substitution p.His33232Arg. To our knowledge, this variant has not been reported in the literature. This variant is reported in 0.0087% of alleles in individuals of Latino descent in gnomAD. At this time, the clinical significance of this variant is uncertain due to the absence of conclusive functional and genetic evidence.